The following is an entry in ClinVar:

ClinVar aggregate classification (germline): Uncertain significance (1 of 4 stars; one submission).

gnomAD v4.1: 5 of 1,613,996 alleles (0.00031%); highest among the groups gnomAD compares: African/African-American, 0.0053%; no homozygotes.

Submission:

Ambry Genetics
Classification: Uncertain significance. Last evaluated: 2025-01-07. Review status: criteria provided, single submitter. Criteria: Ambry Variant Classification Scheme 2023. Collection method: clinical testing. Allele origin: germline.
Comment: The p.S590A variant (also known as c.1768T>G), located in coding exon 2 of the CDK12 gene, results from a T to G substitution at nucleotide position 1768. The serine at codon 590 is replaced by alanine, an amino acid with similar properties. This amino acid position is conserved. In addition, this alteration is predicted to be tolerated by in silico analysis. Based on the available evidence, the clinical significance of this variant remains unclear.

NM_016507.4(CDK12):c.1768T>G (p.Ser590Ala)

Gene: CDK12 (cyclin dependent kinase 12; plus strand). Cytogenetic location: 17q12.
Variant type: single nucleotide variant.
Coding change: c.1768T>G on transcript NM_016507.4 (MANE Select); coding-DNA position 1768, T replaced by G.
Protein change: p.Ser590Ala; replaces serine 590 with alanine.
Molecular consequence: missense variant.
Genome position (GRCh38, 1-based): chr17:39,471,600, T>G. VCF-style: chr17-39471600-T-G. GRCh37 (hg19) VCF-style: chr17-37627853-T-G.
Other names: c.1768T>G, p.Ser590Ala (NM_015083.4); short protein forms S590A.
Identifiers: ClinVar variation 3830465 (VCV003830465.1).